The following is an entry in ClinVar:

ClinVar aggregate classification (germline): Uncertain significance (1 of 4 stars; one submission).

Conditions:
Spastic ataxia 2. Also called: Ataxia, spastic, 2, autosomal recessive. Identifiers: Orphanet 397946, MedGen C1969796, MONDO:0012651, OMIM 611302.

Allele frequency attached by ClinVar (database versions not stated): gnomAD exomes 0.00002; TOPMed 0.00002.
gnomAD v4.1: 27 of 1,613,936 alleles (0.0017%); highest among the groups gnomAD compares: Admixed American, 0.0083%; no homozygotes.

Submission:

Labcorp Genetics (formerly Invitae), Labcorp
Classification: Uncertain significance for Spastic ataxia 2. Last evaluated: 2019-04-15. Review status: criteria provided, single submitter. Criteria: Invitae Variant Classification Sherloc (09022015). Collection method: clinical testing. Allele origin: germline.
Comment: This sequence change replaces arginine with cysteine at codon 129 of the KIF1C protein (p.Arg129Cys). The arginine residue is highly conserved and there is a large physicochemical difference between arginine and cysteine. This variant is present in population databases (rs745851014, ExAC 0.001%). This variant has not been reported in the literature in individuals with KIF1C-related conditions. Algorithms developed to predict the effect of missense changes on protein structure and function (SIFT, PolyPhen-2, Align-GVGD) all suggest that this variant is likely to be disruptive, but these predictions have not been confirmed by published functional studies and their clinical significance is uncertain. In summary, the available evidence is currently insufficient to determine the role of this variant in disease. Therefore, it has been classified as a Variant of Uncertain Significance.

NM_006612.6(KIF1C):c.385C>T (p.Arg129Cys)

Gene: KIF1C (kinesin family member 1C; plus strand). Cytogenetic location: 17p13.2.
Variant type: single nucleotide variant.
Coding change: c.385C>T on transcript NM_006612.6 (MANE Select); coding-DNA position 385, C replaced by T.
Protein change: p.Arg129Cys; replaces arginine 129 with cysteine.
Molecular consequence: missense variant.
Genome position (GRCh38, 1-based): chr17:5,002,080, C>T. VCF-style: chr17-5002080-C-T. GRCh37 (hg19) VCF-style: chr17-4905375-C-T.
Other names: short protein forms R129C.
Identifiers: ClinVar variation 851980 (VCV000851980.9), dbSNP rs745851014, ClinGen allele CA8318541.